The following is an entry in ClinVar:

ClinVar aggregate classification (germline): Conflicting classifications of pathogenicity. Review status: criteria provided, conflicting classifications (1 of 4 stars). 5 submissions from 5 submitters: Uncertain significance (1); Likely benign (4). Last evaluated 2026-06-22.

Conditions:
Hereditary cancer-predisposing syndrome. Also called: Hereditary neoplastic syndrome; Hereditary Cancer Syndrome; Neoplastic Syndromes, Hereditary; Tumor predisposition. Identifiers: Orphanet 140162, MedGen C0027672, MeSH D009386, MONDO:0015356.
Retinoblastoma (RB1). Also called: RETINOBLASTOMA, SOMATIC. Identifiers: Orphanet 790, MedGen C0035335, MeSH D012175, MONDO:0008380, OMIM 180200, HP:0009919. Disease mechanism: loss of function. Inheritance: Both sporadic and heritable forms are tested..

Allele frequency attached by ClinVar (database versions not stated): TOPMed 0.00001; 1000 Genomes Project 0.00020; gnomAD exomes below 0.00001 and 0.00001; 1000 Genomes Project 30x 0.00016; ExAC 0.00001; gnomAD 0.00001.
gnomAD v4.1: 22 of 1,612,258 alleles (0.0014%); highest among the groups gnomAD compares: Admixed American, 0.0017%; no homozygotes.

Submissions (5):

Myriad Genetics, Inc.
Classification: Likely benign for Retinoblastoma. Last evaluated: 2026-06-22. Review status: criteria provided, single submitter. Criteria: Myriad Autosomal Dominant, Autosomal Recessive and X-Linked Classification Criteria (2023). Collection method: clinical testing. Allele origin: unknown.
Comment: This variant is considered likely benign. This variant is intronic and is not expected to impact mRNA splicing.

Labcorp Genetics (formerly Invitae), Labcorp
Classification: Likely benign for Retinoblastoma. Last evaluated: 2025-11-19. Review status: criteria provided, single submitter. Criteria: Invitae Variant Classification Sherloc (09022015). Collection method: clinical testing. Allele origin: germline.

Color Diagnostics, LLC DBA Color Health
Classification: Likely benign for Retinoblastoma. Last evaluated: 2023-06-15. Review status: criteria provided, single submitter. Criteria: ACMG Guidelines, 2015. Collection method: clinical testing. Allele origin: germline.

Ambry Genetics
Classification: Likely benign for Hereditary cancer-predisposing syndrome. Last evaluated: 2022-03-28. Review status: criteria provided, single submitter. Criteria: Ambry Variant Classification Scheme 2023. Collection method: clinical testing. Allele origin: germline.

Illumina Laboratory Services, Illumina
Classification: Uncertain significance for Retinoblastoma. Last evaluated: 2018-01-13. Review status: criteria provided, single submitter. Criteria: ICSL Variant Classification Criteria 13 December 2019. Collection method: clinical testing. Allele origin: germline.

NM_000321.3(RB1):c.1696-4A>G

Gene: RB1 (RB transcriptional corepressor 1; plus strand). Cytogenetic location: 13q14.2.
Variant type: single nucleotide variant.
Coding change: c.1696-4A>G on transcript NM_000321.3 (MANE Select); 4 bases into the intron before coding-DNA position 1696, A replaced by G.
Molecular consequence: intron variant.
Genome position (GRCh38, 1-based): chr13:48,452,989, A>G. VCF-style: chr13-48452989-A-G. GRCh37 (hg19) VCF-style: chr13-49027125-A-G.
Identifiers: ClinVar variation 312290 (VCV000312290.19), dbSNP rs143685082, ClinGen allele CA032310.